The following is an entry in ClinVar:

ClinVar aggregate classification (germline): Uncertain significance (1 of 4 stars; one submission).

Submission:

Dasa
Classification: Uncertain significance. Last evaluated: 2025-10-28. Review status: criteria provided, single submitter. Criteria: DASA Assertion Criteria. Collection method: clinical testing. Allele origin: germline.
Comment: NM_144687.4(NLRP12):c.2620G>C (p.Asp874His) is a missense variant that results in the substitution of aspartic acid with histidine. This variant is absent from population databases. Computational prediction algorithms are consistent with a benign effect. The currently available literature and clinical evidence are not sufficient to establish a definitive association between this variant and the reported condition. Therefore, this variant is classified as a variant of uncertain significance.

NM_144687.4(NLRP12):c.2620G>C (p.Asp874His)

Gene: NLRP12 (NLR family pyrin domain containing 12; minus strand). Cytogenetic location: 19q13.42.
Variant type: single nucleotide variant.
Coding change: c.2620G>C on transcript NM_144687.4 (MANE Select); coding-DNA position 2620, G replaced by C.
Protein change: p.Asp874His; replaces aspartic acid 874 with histidine.
Molecular consequence: missense variant.
Genome position (GRCh38, 1-based): chr19:53,801,363, C>G on the plus strand (G>C on the coding strand, the complement: NLRP12 is on the minus strand). VCF-style: chr19-53801363-C-G. GRCh37 (hg19) VCF-style: chr19-54304617-C-G.
Other names: c.2623G>C, p.Asp875His (NM_001277126.2); c.2620G>C, p.Asp874His (NM_001277129.1); short protein forms D874H, D875H.
Identifiers: ClinVar variation 4886100 (VCV004886100.2).